The following is an entry in ClinVar:

NM_033124.5(DRC2):c.1223A>G (p.Tyr408Cys)

Gene: DRC2 (dynein regulatory complex subunit 2; plus strand). Cytogenetic location: 12q13.12.
Variant type: single nucleotide variant.
Coding change: c.1223A>G on transcript NM_033124.5 (MANE Select); coding-DNA position 1223, A replaced by G.
Protein change: p.Tyr408Cys; replaces tyrosine 408 with cysteine.
Molecular consequence: missense variant.
Genome position (GRCh38, 1-based): chr12:48,921,211, A>G. VCF-style: chr12-48921211-A-G. GRCh37 (hg19) VCF-style: chr12-49314994-A-G.
Other names: c.794A>G, p.Tyr265Cys (NM_001286957.2); short protein forms Y408C, Y265C.
Identifiers: ClinVar variation 402504 (VCV000402504.20), dbSNP rs4760600, ClinGen allele CA6543472.

ClinVar aggregate classification (germline): Benign/Likely benign. Review status: criteria provided, multiple submitters, no conflicts (2 of 4 stars). 6 submissions from 6 submitters: Benign (5); Likely benign (1). Last evaluated 2026-02-04.

Conditions:
Primary ciliary dyskinesia 27. Also called: CILIARY DYSKINESIA, PRIMARY, 27, WITHOUT SITUS INVERSUS. Identifiers: Orphanet 244, MedGen C3809701, MONDO:0014215, OMIM 615504.

Allele frequency attached by ClinVar (database versions not stated): 1000 Genomes Project 30x 0.30497; ESP Exome Variant Server 0.30617; 1000 Genomes Project 0.30811; gnomAD 0.32366 and 0.32469; TOPMed 0.33671; ExAC 0.36923; gnomAD exomes 0.37527 and 0.38163.
gnomAD v4.1: 597,502 of 1,613,700 alleles (37%); highest among the groups gnomAD compares: Admixed American, 52%; 115,214 homozygotes.

Submissions (6):

Labcorp Genetics (formerly Invitae), Labcorp
Classification: Benign for Primary ciliary dyskinesia 27. Last evaluated: 2026-02-04. Review status: criteria provided, single submitter. Criteria: Invitae Variant Classification Sherloc (09022015). Collection method: clinical testing. Allele origin: germline.

Blueprint Genetics
Classification: Likely benign. Last evaluated: 2024-11-27. Review status: criteria provided, single submitter. Criteria: ACMG Guidelines, 2015. Collection method: clinical testing. Allele origin: germline.

Genome-Nilou Lab
Classification: Benign for Primary ciliary dyskinesia 27. Last evaluated: 2021-07-14. Review status: criteria provided, single submitter. Criteria: ACMG Guidelines, 2015. Collection method: clinical testing. Allele origin: germline. Affected: no.

GeneDx
Classification: Benign. Last evaluated: 2018-11-10. Review status: criteria provided, single submitter. Criteria: GeneDx Variant Classification Process June 2021. Collection method: clinical testing. Allele origin: germline. Affected: yes.

Laboratory for Molecular Medicine, Mass General Brigham Personalized Medicine
Classification: Benign. Last evaluated: 2016-03-29. Review status: criteria provided, single submitter. Criteria: LMM Criteria. Collection method: clinical testing. Allele origin: germline.
Comment: Variant identified in a genome or exome case(s) and assessed due to predicted null impact of the variant or pathogenic assertions in the literature or databases. Disclaimer: This variant has not undergone full assessment. The following are preliminary notes: Frequency

Breakthrough Genomics
Classification: Benign. Review status: criteria provided, single submitter. Criteria: ACMG Guidelines, 2015. Collection method: not provided. Allele origin: germline. Inheritance: Autosomal recessive inheritance. Affected: yes.